The following is an entry in ClinVar:

NM_006015.6(ARID1A):c.3206A>G (p.Lys1069Arg)

Gene: ARID1A (AT-rich interaction domain 1A; plus strand). Cytogenetic location: 1p36.11.
Variant type: single nucleotide variant.
Coding change: c.3206A>G on transcript NM_006015.6 (MANE Select); coding-DNA position 3206, A replaced by G.
Protein change: p.Lys1069Arg; replaces lysine 1069 with arginine.
Molecular consequence: missense variant.
Genome position (GRCh38, 1-based): chr1:26,771,126, A>G. VCF-style: chr1-26771126-A-G. GRCh37 (hg19) VCF-style: chr1-27097617-A-G.
Other names: c.3206A>G, p.Lys1069Arg (NM_139135.4); short protein forms K1069R.
Identifiers: ClinVar variation 2429724 (VCV002429724.2), dbSNP rs2124096749, ClinGen allele CA339164421.
Genomic context (GRCh38, chr1:26,771,126, plus strand): 5'-GCAGGAAAACCAGGCGGGAGATATACCTCGACTCCTTTGGTTTGGTTATACAGGTCAACA[A>G]GAACAAAAAATGGCGGGAACTTGCAACCAACCTCAATGTGGGCACATCAAGCAGTGCTGC-3'
Protein context (NP_006006.3, residues 1059-1079): KEIGGLTQVN[Lys1069Arg]NKKWRELATN

ClinVar aggregate classification (germline): Uncertain significance (1 of 4 stars; one submission).

Allele frequency attached by ClinVar (database versions not stated): gnomAD exomes below 0.00001.
gnomAD v4.1: 2 of 1,614,248 alleles (0.00012%); highest among the groups gnomAD compares: Non-Finnish European, 0.00017%; no homozygotes.

Submission:

GeneDx
Classification: Uncertain significance. Last evaluated: 2025-10-15. Review status: criteria provided, single submitter. Criteria: GeneDx Variant Classification Process June 2021. Collection method: clinical testing. Allele origin: germline. Affected: yes.
Comment: Not observed at significant frequency in large population cohorts (gnomAD); In silico analysis supports that this missense variant has a deleterious effect on protein structure/function; Has not been previously published as pathogenic or benign to our knowledge